The following is an entry in ClinVar:

ClinVar aggregate classification (germline): Uncertain significance. Review status: criteria provided, multiple submitters, no conflicts (2 of 4 stars). 2 submissions from 2 submitters: Uncertain significance (2). Last evaluated 2025-10-14.

Allele frequency attached by ClinVar (database versions not stated): ExAC 0.00003; ESP Exome Variant Server 0.00008.
gnomAD v4.1: 97 of 1,597,760 alleles (0.0061%); highest among the groups gnomAD compares: African/African-American, 0.061%; no homozygotes.

Submissions (2):

Labcorp Genetics (formerly Invitae), Labcorp
Classification: Uncertain significance. Last evaluated: 2025-10-14. Review status: criteria provided, single submitter. Criteria: Invitae Variant Classification Sherloc (09022015). Collection method: clinical testing. Allele origin: germline.
Comment: This sequence change replaces valine, which is neutral and non-polar, with methionine, which is neutral and non-polar, at codon 36 of the ZNF143 protein (p.Val36Met). The frequency data for this variant in the population databases is considered unreliable, as metrics indicate poor data quality at this position in the gnomAD database. This variant has not been reported in the literature in individuals affected with ZNF143-related conditions. ClinVar contains an entry for this variant (Variation ID: 1394800). An algorithm developed to predict the effect of missense changes on protein structure and function (PolyPhen-2) suggests that this variant is likely to be tolerated. In summary, the available evidence is currently insufficient to determine the role of this variant in disease. Therefore, it has been classified as a Variant of Uncertain Significance.

Ambry Genetics
Classification: Uncertain significance. Last evaluated: 2023-12-26. Review status: criteria provided, single submitter. Criteria: Ambry Variant Classification Scheme 2023. Collection method: clinical testing. Allele origin: germline.

NM_003442.6(ZNF143):c.106G>A (p.Val36Met)

Gene: ZNF143 (zinc finger protein 143; plus strand). Cytogenetic location: 11p15.4.
Variant type: single nucleotide variant.
Coding change: c.106G>A on transcript NM_003442.6 (MANE Select); coding-DNA position 106, G replaced by A.
Protein change: p.Val36Met; replaces valine 36 with methionine.
Molecular consequence: missense variant.
Genome position (GRCh38, 1-based): chr11:9,471,414, G>A. VCF-style: chr11-9471414-G-A. GRCh37 (hg19) VCF-style: chr11-9492961-G-A.
Other names: c.106G>A (NM_003442.5); c.106G>A, p.Val36Met (NM_001282656.2, NM_001282657.2); short protein forms V36M.
Identifiers: ClinVar variation 1394800 (VCV001394800.7), dbSNP rs61747610, ClinGen allele CA5879199.